The following is an entry in ClinVar:

NM_001374736.1(DST):c.1988T>A (p.Ile663Asn)

Gene: DST (dystonin; minus strand). Cytogenetic location: 6p12.1.
Variant type: single nucleotide variant.
Coding change: c.1988T>A on transcript NM_001374736.1 (MANE Select); coding-DNA position 1988, T replaced by A.
Protein change: p.Ile663Asn; replaces isoleucine 663 with asparagine.
Molecular consequence: missense variant.
Genome position (GRCh38, 1-based): chr6:56,641,986, A>T on the plus strand (T>A on the coding strand, the complement: DST is on the minus strand). VCF-style: chr6-56641986-A-T. GRCh37 (hg19) VCF-style: chr6-56506784-A-T.
Other names: c.1889T>A, p.Ile630Asn (NM_001144769.5); c.1475T>A, p.Ile492Asn (NM_001144770.2); c.1988T>A, p.Ile663Asn (NM_001374722.1); c.1355T>A, p.Ile452Asn (NM_001374729.1, NM_001374730.1, NM_001386100.1 and 1 more transcripts); c.2015T>A, p.Ile672Asn (NM_001374734.1); c.377T>A, p.Ile126Asn (NM_001723.7, NM_015548.5); short protein forms I630N, I663N, I126N, I452N, I672N, I492N.
Identifiers: ClinVar variation 2098586 (VCV002098586.4), dbSNP rs771000311, ClinGen allele CA364614901.

ClinVar aggregate classification (germline): Uncertain significance (1 of 4 stars; one submission).

Conditions:
Epidermolysis bullosa simplex 3, localized or generalized intermediate, with BP230 deficiency (EBS3). Also called: Epidermolysis bullosa simplex due to BP230 deficiency; Epidermolysis bullosa simplex, autosomal recessive 2. Identifiers: Orphanet 412181, MedGen C3809470, MONDO:0014180, OMIM 615425.
Hereditary sensory and autonomic neuropathy type 6. Also called: HSAN VI; Neuropathy, hereditary sensory and autonomic, type VI. Identifiers: Orphanet 314381, MedGen C3539003, MONDO:0013839, OMIM 614653.

Submission:

Labcorp Genetics (formerly Invitae), Labcorp
Classification: Uncertain significance for Epidermolysis bullosa simplex 3, localized or generalized intermediate, with BP230 deficiency; Hereditary sensory and autonomic neuropathy type 6. Last evaluated: 2022-02-18. Review status: criteria provided, single submitter. Criteria: Invitae Variant Classification Sherloc (09022015). Collection method: clinical testing. Allele origin: germline.
Comment: In summary, the available evidence is currently insufficient to determine the role of this variant in disease. Therefore, it has been classified as a Variant of Uncertain Significance. Algorithms developed to predict the effect of missense changes on protein structure and function are either unavailable or do not agree on the potential impact of this missense change (SIFT: "Deleterious"; PolyPhen-2: "Benign"; Align-GVGD: "Class C35"). This variant has not been reported in the literature in individuals affected with DST-related conditions. This variant is not present in population databases (gnomAD no frequency). This sequence change replaces isoleucine, which is neutral and non-polar, with asparagine, which is neutral and polar, at codon 126 of the DST protein (p.Ile126Asn).